The following is an entry in ClinVar:

NM_001384732.1(CPLANE1):c.6989A>G (p.Gln2330Arg)

Gene: CPLANE1 (ciliogenesis and planar polarity effector complex subunit 1; minus strand). Cytogenetic location: 5p13.2.
Variant type: single nucleotide variant.
Coding change: c.6989A>G on transcript NM_001384732.1 (MANE Select); coding-DNA position 6989, A replaced by G.
Protein change: p.Gln2330Arg; replaces glutamine 2330 with arginine.
Molecular consequence: missense variant.
Genome position (GRCh38, 1-based): chr5:37,169,035, T>C on the plus strand (A>G on the coding strand, the complement: CPLANE1 is on the minus strand). VCF-style: chr5-37169035-T-C. GRCh37 (hg19) VCF-style: chr5-37169137-T-C.
Other names: c.6989A>G, p.Gln2330Arg (NM_023073.4); short protein forms Q2330R.
Identifiers: ClinVar variation 279721 (VCV000279721.7), dbSNP rs886041152, ClinGen allele CA10602963.

ClinVar aggregate classification (germline): Uncertain significance. Review status: criteria provided, multiple submitters, no conflicts (2 of 4 stars). 3 submissions from 3 submitters: Uncertain significance (3). Last evaluated 2024-11-25.

Allele frequency attached by ClinVar (database versions not stated): gnomAD 0.00001; TOPMed 0.00001; gnomAD exomes 0.00002.
gnomAD v4.1: 30 of 1,614,078 alleles (0.0019%); highest among the groups gnomAD compares: Non-Finnish European, 0.0025%; no homozygotes.

Submissions (3):

Blueprint Genetics
Classification: Uncertain significance. Last evaluated: 2024-11-25. Review status: criteria provided, single submitter. Criteria: ACMG Guidelines, 2015. Collection method: clinical testing. Allele origin: germline.

Labcorp Genetics (formerly Invitae), Labcorp
Classification: Uncertain significance. Last evaluated: 2022-08-16. Review status: criteria provided, single submitter. Criteria: Invitae Variant Classification Sherloc (09022015). Collection method: clinical testing. Allele origin: germline.
Comment: Advanced modeling of protein sequence and biophysical properties (such as structural, functional, and spatial information, amino acid conservation, physicochemical variation, residue mobility, and thermodynamic stability) performed at Invitae indicates that this missense variant is not expected to disrupt CPLANE1 protein function. In summary, the available evidence is currently insufficient to determine the role of this variant in disease. Therefore, it has been classified as a Variant of Uncertain Significance. ClinVar contains an entry for this variant (Variation ID: 279721). This sequence change replaces glutamine, which is neutral and polar, with arginine, which is basic and polar, at codon 2330 of the CPLANE1 protein (p.Gln2330Arg). This variant is present in population databases (no rsID available, gnomAD 0.007%). This variant has not been reported in the literature in individuals affected with CPLANE1-related conditions.

GeneDx
Classification: Uncertain significance. Last evaluated: 2015-04-23. Review status: criteria provided, single submitter. Criteria: GeneDx Variant Classification (06012015). Collection method: clinical testing. Allele origin: germline. Affected: yes.
Comment: The Q2330R variant in the C5orf42 gene has not been published as a pathogenic variant, nor has it been reported as a benign polymorphism to our knowledge. The Q2330R variant was not observed in approximately 6,500 individuals of European and African American ancestry in the NHLBI Exome Sequencing Project, indicating it is not a common benign variant in these populations. The Q2330R variant is a semi-conservative amino acid substitution, which may impact secondary protein structure as these residues differ in some properties. This substitution occurs at a position that is conserved in mammals. In silico analysis is inconsistent in its predictions as to whether or not the variant is damaging to the protein structure/function. We interpret Q2330R as a variant of unknown significance.